The following is an entry in ClinVar:

NM_004304.5(ALK):c.698T>C (p.Met233Thr)

Gene: ALK (ALK receptor tyrosine kinase; minus strand). Cytogenetic location: 2p23.2.
Variant type: single nucleotide variant.
Coding change: c.698T>C on transcript NM_004304.5 (MANE Select); coding-DNA position 698, T replaced by C.
Protein change: p.Met233Thr; replaces methionine 233 with threonine.
Molecular consequence: missense variant.
Genome position (GRCh38, 1-based): chr2:29,717,667, A>G on the plus strand (T>C on the coding strand, the complement: ALK is on the minus strand). VCF-style: chr2-29717667-A-G. GRCh37 (hg19) VCF-style: chr2-29940533-A-G.
Other names: short protein forms M233T.
Identifiers: ClinVar variation 4040894 (VCV004040894.1).

ClinVar aggregate classification (germline): Uncertain significance (1 of 4 stars; one submission).

Conditions:
Hereditary cancer-predisposing syndrome. Also called: Neoplastic Syndromes, Hereditary; Tumor predisposition; Hereditary neoplastic syndrome; Hereditary Cancer Syndrome. Identifiers: Orphanet 140162, MedGen C0027672, MeSH D009386, MONDO:0015356.

gnomAD v4.1: 1 of 1,614,108 alleles (0.000062%); highest among the groups gnomAD compares: East Asian, 0.0022%; no homozygotes.

Submission:

Ambry Genetics
Classification: Uncertain significance for Hereditary cancer-predisposing syndrome. Last evaluated: 2025-05-15. Review status: criteria provided, single submitter. Criteria: Ambry Variant Classification Scheme 2023. Collection method: clinical testing. Allele origin: germline.
Comment: The p.M233T variant (also known as c.698T>C), located in coding exon 2 of the ALK gene, results from a T to C substitution at nucleotide position 698. The methionine at codon 233 is replaced by threonine, an amino acid with similar properties. This amino acid position is conserved. In addition, this alteration is predicted to be tolerated by in silico analysis. Based on the available evidence, the clinical significance of this variant remains unclear.